The following is an entry in ClinVar:

ClinVar aggregate classification (germline): Benign/Likely benign. Review status: criteria provided, multiple submitters, no conflicts (2 of 4 stars). 20 submissions from 20 submitters: Benign (8); Likely benign (7). 5 of the submissions do not count toward it. Last evaluated 2026-06-01.

Conditions:
Immunodeficiency 120. Identifiers: MedGen C5935622, MONDO:0970994, OMIM 620836.
Mandibular hypoplasia-deafness-progeroid syndrome. Also called: Mandibular hypoplasia, deafness, progeroid features, and lipodystrophy syndrome. Identifiers: Orphanet 363649, MedGen C3715192, MONDO:0014157, OMIM 615381.
POLD1-related polyposis and colorectal cancer syndrome (CRCS10). Also called: Colorectal cancer 10; Colorectal cancer, susceptibility to, 10; COLORECTAL CANCER, SUSCEPTIBILITY TO, ON CHROMOSOME 19q. Identifiers: Orphanet 220460, MedGen C2675481, MONDO:0012953, OMIM 612591.
Hereditary cancer-predisposing syndrome. Also called: Neoplastic Syndromes, Hereditary; Hereditary Cancer Syndrome; Tumor predisposition; Hereditary neoplastic syndrome. Identifiers: Orphanet 140162, MedGen C0027672, MeSH D009386, MONDO:0015356.

Allele frequency attached by ClinVar (database versions not stated): ExAC 0.00081; gnomAD exomes 0.00086 and 0.00143; gnomAD 0.00092 and 0.00098; TOPMed 0.00094; ESP Exome Variant Server 0.00138.
gnomAD v4.1: 2,201 of 1,613,324 alleles (0.14%); highest among the groups gnomAD compares: Non-Finnish European, 0.17%; 3 homozygotes.

Submissions (23):

CeGaT Center for Human Genetics Tuebingen
Classification: Likely benign. Last evaluated: 2026-06-01. Review status: criteria provided, single submitter. Criteria: CeGaT Center For Human Genetics Tuebingen Variant Classification Criteria Version 2. Collection method: clinical testing. Allele origin: germline. Affected: yes. Observed: 20 variant alleles.
Comment: POLD1: BP4, BP7

Labcorp Genetics (formerly Invitae), Labcorp
Classification: Benign for POLD1-related polyposis and colorectal cancer syndrome. Last evaluated: 2026-02-03. Review status: criteria provided, single submitter. Criteria: Invitae Variant Classification Sherloc (09022015). Collection method: clinical testing. Allele origin: germline.

Center for Genomic Medicine, Rigshospitalet, Copenhagen University Hospital
Classification: Likely benign. Last evaluated: 2025-03-04. Review status: criteria provided, single submitter. Criteria: ACMG Guidelines, 2015. Collection method: clinical testing. Allele origin: germline.

Myriad Genetics, Inc.
Classification: Benign for POLD1-related polyposis and colorectal cancer syndrome. Last evaluated: 2025-02-07. Review status: criteria provided, single submitter. Criteria: Myriad Autosomal Dominant, Autosomal Recessive and X-Linked Classification Criteria (2023). Collection method: clinical testing. Allele origin: unknown.
Comment: This variant is considered benign. This variant is a silent/synonymous amino acid change and it is not expected to impact splicing.

Blueprint Genetics
Classification: Likely benign. Last evaluated: 2024-11-27. Review status: criteria provided, single submitter. Criteria: ACMG Guidelines, 2015. Collection method: clinical testing. Allele origin: germline.

ARUP Laboratories, Molecular Genetics and Genomics, ARUP Laboratories
Classification: Benign. Last evaluated: 2023-10-23. Review status: criteria provided, single submitter. Criteria: ARUP Molecular Germline Variant Investigation Process 2024. Collection method: clinical testing. Allele origin: germline.

Women's Health and Genetics/Laboratory Corporation of America, LabCorp
Classification: Benign. Last evaluated: 2023-07-31. Review status: criteria provided, single submitter. Criteria: LabCorp Variant Classification Summary - May 2015. Collection method: clinical testing. Allele origin: germline.

KCCC/NGS Laboratory, Kuwait Cancer Control Center
Classification: Benign for POLD1-related polyposis and colorectal cancer syndrome. Last evaluated: 2023-07-07. Review status: criteria provided, single submitter. Criteria: ACMG Guidelines, 2015. Collection method: clinical testing. Allele origin: germline. Affected: yes.

Department of Pathology and Laboratory Medicine, Sinai Health System
Classification: Likely benign for POLD1-related polyposis and colorectal cancer syndrome; Mandibular hypoplasia-deafness-progeroid syndrome; Immunodeficiency 120. Last evaluated: 2023-06-21. Review status: criteria provided, single submitter. Criteria: ACMG Guidelines, 2015. Collection method: clinical testing. Allele origin: germline. Affected: no.

GeneDx
Classification: Likely benign. Last evaluated: 2021-09-24. Review status: criteria provided, single submitter. Criteria: GeneDx Variant Classification Process June 2021. Collection method: clinical testing. Allele origin: germline. Affected: yes.

Sema4
Classification: Benign for Hereditary cancer-predisposing syndrome. Last evaluated: 2020-08-17. Review status: criteria provided, single submitter. Criteria: Sema4 Curation Guidelines. Collection method: curation. Allele origin: germline.

Mendelics
Classification: Likely benign for POLD1-related polyposis and colorectal cancer syndrome. Last evaluated: 2019-05-28. Review status: criteria provided, single submitter. Criteria: Mendelics Assertion Criteria 2017. Collection method: clinical testing. Allele origin: unknown.

Quest Diagnostics Nichols Institute San Juan Capistrano
Classification: Benign. Last evaluated: 2017-08-04. Review status: criteria provided, single submitter. Criteria: Quest Diagnostics criteria. Collection method: clinical testing. Allele origin: germline.

PreventionGenetics, part of Exact Sciences
Classification: Benign. Last evaluated: 2017-02-24. Review status: criteria provided, single submitter. Criteria: ACMG Guidelines, 2015. Collection method: clinical testing. Allele origin: germline.

Ambry Genetics
Classification: Likely benign for Hereditary cancer-predisposing syndrome. Last evaluated: 2015-06-04. Review status: criteria provided, single submitter. Criteria: Ambry Variant Classification Scheme 2023. Collection method: clinical testing. Allele origin: germline.

True Health Diagnostics
Classification: Likely benign for Hereditary cancer-predisposing syndrome. Last evaluated: 2017-10-25. Review status: no assertion criteria provided. Collection method: clinical testing. Allele origin: germline. Not counted in ClinVar's aggregate classification.

Clinical Genetics, Academic Medical Center
Classification: Likely benign. Review status: no assertion criteria provided. Collection method: clinical testing. Allele origin: germline. Affected: yes. Study: VKGL Data-share Consensus. Not counted in ClinVar's aggregate classification.

Diagnostic Laboratory, Department of Genetics, University Medical Center Groningen
Classification: Likely benign. Review status: no assertion criteria provided. Collection method: clinical testing. Allele origin: germline. Affected: yes. Study: VKGL Data-share Consensus. Not counted in ClinVar's aggregate classification.

Dr. Peter K. Rogan Lab, Western University
No classification provided (evidence only). Condition: Gastric cancer. Review status: no classification provided. Collection method: in vitro. Allele origin: not applicable. Functional consequence: retained intron. Not counted in ClinVar's aggregate classification.

Dr. Peter K. Rogan Lab, Western University
No classification provided (evidence only). Condition: Gastric cancer. Review status: no classification provided. Collection method: in vitro. Allele origin: not applicable. Functional consequence: retained intron. Not counted in ClinVar's aggregate classification.

Dr. Peter K. Rogan Lab, Western University
No classification provided (evidence only). Condition: Uterine carcinosarcoma. Review status: no classification provided. Collection method: in vitro. Allele origin: not applicable. Functional consequence: retained intron. Not counted in ClinVar's aggregate classification.

Genome Diagnostics Laboratory, Amsterdam University Medical Center
Classification: Likely benign. Review status: no assertion criteria provided. Collection method: clinical testing. Allele origin: germline. Affected: yes. Study: VKGL Data-share Consensus. Not counted in ClinVar's aggregate classification.

Joint Genome Diagnostic Labs from Nijmegen and Maastricht, Radboudumc and MUMC+
Classification: Likely benign. Review status: no assertion criteria provided. Collection method: clinical testing. Allele origin: germline. Affected: yes. Study: VKGL Data-share Consensus. Not counted in ClinVar's aggregate classification.

NM_002691.4(POLD1):c.1620C>T (p.Gly540=)

Gene: POLD1 (DNA polymerase delta 1, catalytic subunit; plus strand). Cytogenetic location: 19q13.33.
Variant type: single nucleotide variant.
Coding change: c.1620C>T on transcript NM_002691.4 (MANE Select); coding-DNA position 1620, C replaced by T.
Protein change: p.Gly540=; no amino-acid change (glycine 540 retained).
Molecular consequence: synonymous variant. On other transcripts: non-coding transcript variant (1).
Genome position (GRCh38, 1-based): chr19:50,407,108, C>T. VCF-style: chr19-50407108-C-T. GRCh37 (hg19) VCF-style: chr19-50910365-C-T.
Other names: c.1620C>T, p.Gly540= (NM_001256849.1, NM_001308632.1).
Identifiers: ClinVar variation 220890 (VCV000220890.77), dbSNP rs140216790, ClinGen allele CA350298.
Genomic context (GRCh38, chr19:50,407,108, plus strand): 5'-GCGGCTGCTGGAGCGGCTCATGGTGCTGGTGAACGCCGTGGAGATGGCGAGGGTCACTGG[C>T]GTGCCCCTCAGCTACCTGCTCAGTCGTGGCCAGCAGGTCAAGGTCGTATCCCAGCTGTTG-3'
Protein context (NP_002682.2, residues 530-550): VNAVEMARVT[Gly540=]VPLSYLLSRG